The following is an entry in ClinVar:

ClinVar aggregate classification (germline): Pathogenic/Likely pathogenic. Review status: criteria provided, multiple submitters, no conflicts (2 of 4 stars). 2 submissions from 2 submitters: Pathogenic (1); Likely pathogenic (1). Last evaluated 2023-07-25.

Conditions:
Hyperammonemia, type III (NAGSD). Also called: Hyperammonemia due to N-acetylglutamate synthase deficiency. Identifiers: Orphanet 927, MedGen C0268543, MONDO:0009377, OMIM 237310.

Submissions (2):

Baylor Genetics
Classification: Likely pathogenic for Hyperammonemia, type III. Last evaluated: 2023-07-25. Review status: criteria provided, single submitter. Criteria: ACMG Guidelines, 2015. Collection method: clinical testing. Allele origin: unknown.

Labcorp Genetics (formerly Invitae), Labcorp
Classification: Pathogenic for Hyperammonemia, type III. Last evaluated: 2019-06-14. Review status: criteria provided, single submitter. Criteria: Invitae Variant Classification Sherloc (09022015). Collection method: clinical testing. Allele origin: germline.
Comment: This sequence change creates a premature translational stop signal (p.Trp190*) in the NAGS gene. It is expected to result in an absent or disrupted protein product. This variant is not present in population databases (ExAC no frequency). This variant has not been reported in the literature in individuals with NAGS-related conditions. Algorithms developed to predict the effect of sequence changes on RNA splicing suggest that this variant may create or strengthen a splice site, but this prediction has not been confirmed by published transcriptional studies. Loss-of-function variants in NAGS are known to be pathogenic (PMID: 12594532). For these reasons, this variant has been classified as Pathogenic.

Literature cited by the submitters: PubMed 12594532 (cited by Labcorp Genetics (formerly Invitae), Labcorp).

NM_153006.3(NAGS):c.569G>A (p.Trp190Ter)

Gene: NAGS (N-acetylglutamate synthase; plus strand). Cytogenetic location: 17q21.31.
Variant type: single nucleotide variant.
Coding change: c.569G>A on transcript NM_153006.3 (MANE Select); coding-DNA position 569, G replaced by A.
Protein change: p.Trp190Ter; replaces tryptophan 190 with a stop codon.
Molecular consequence: nonsense.
Genome position (GRCh38, 1-based): chr17:44,005,779, G>A. VCF-style: chr17-44005779-G-A. GRCh37 (hg19) VCF-style: chr17-42083147-G-A.
Other names: short protein forms W190*.
Identifiers: ClinVar variation 952278 (VCV000952278.8), dbSNP rs2049079486, ClinGen allele CA399725024.
Genomic context (GRCh38, chr17:44,005,779, plus strand): 5'-AGCCGCTGGTGGTCCTGGGGCTGCCGGCCCCTACGGCTCCCTCGGGCTGTCTTTCCTTCT[G>A]GGAGGCCAAGGCGCAGCTGGCCAAGAGCTGCAAGGTGCTGGTAGACGCGCTTCGACACAA-3'